The following is an entry in ClinVar:

ClinVar aggregate classification (germline): Conflicting classifications of pathogenicity. Review status: criteria provided, conflicting classifications (1 of 4 stars). 5 submissions from 5 submitters: Uncertain significance (4); Likely benign (1). Last evaluated 2025-11-12.

Conditions:
Occult macular dystrophy (OCMD). Also called: OCCULT MACULAR DYSTROPHY, SUSCEPTIBILITY TO; OMD. Identifiers: Orphanet 247834, MedGen C3150833, MONDO:0013316, OMIM 613587, HP:0030636.
RP1L1-related disorder. Also called: RP1L1-related condition.
Inborn genetic diseases. Identifiers: MedGen C0950123, MeSH D030342.

Allele frequency attached by ClinVar (database versions not stated): ExAC 0.00002; gnomAD exomes 0.00004; gnomAD 0.00007; ESP Exome Variant Server 0.00008; TOPMed 0.00008.

Submissions (5):

Labcorp Genetics (formerly Invitae), Labcorp
Classification: Uncertain significance. Last evaluated: 2025-11-12. Review status: criteria provided, single submitter. Criteria: Invitae Variant Classification Sherloc (09022015). Collection method: clinical testing. Allele origin: germline.
Comment: This sequence change replaces aspartic acid, which is acidic and polar, with asparagine, which is neutral and polar, at codon 98 of the RP1L1 protein (p.Asp98Asn). This variant is present in population databases (rs372108562, gnomAD 0.009%). This variant has not been reported in the literature in individuals affected with RP1L1-related conditions. ClinVar contains an entry for this variant (Variation ID: 911778). Invitae Evidence Modeling of protein sequence and biophysical properties (such as structural, functional, and spatial information, amino acid conservation, physicochemical variation, residue mobility, and thermodynamic stability) has been performed for this missense variant. However, the output from this modeling did not meet the statistical confidence thresholds required to predict the impact of this variant on RP1L1 protein function. In summary, the available evidence is currently insufficient to determine the role of this variant in disease. Therefore, it has been classified as a Variant of Uncertain Significance.

Ambry Genetics
Classification: Uncertain significance for Inborn genetic diseases. Last evaluated: 2024-07-17. Review status: criteria provided, single submitter. Criteria: Ambry Variant Classification Scheme 2023. Collection method: clinical testing. Allele origin: germline.

Blueprint Genetics
Classification: Uncertain significance. Last evaluated: 2024-07-03. Review status: criteria provided, single submitter. Criteria: ACMG Guidelines, 2015. Collection method: clinical testing. Allele origin: germline.

PreventionGenetics, part of Exact Sciences
Classification: Uncertain significance for RP1L1-related condition. Last evaluated: 2023-03-09. Review status: criteria provided, single submitter. Criteria: ACMG Guidelines, 2015. Collection method: clinical testing. Allele origin: germline.
Comment: The RP1L1 c.292G>A variant is predicted to result in the amino acid substitution p.Asp98Asn. To our knowledge, this variant has not been reported in the literature. This variant is reported in 0.0086% of alleles in individuals of European (Non-Finnish) descent in gnomAD. At this time, the clinical significance of this variant is uncertain due to the absence of conclusive functional and genetic evidence.

Illumina Laboratory Services, Illumina
Classification: Likely benign for Occult macular dystrophy. Last evaluated: 2018-01-13. Review status: criteria provided, single submitter. Criteria: ICSL Variant Classification Criteria 13 December 2019. Collection method: clinical testing. Allele origin: germline.
Comment: This variant was observed in the ICSL laboratory as part of a predisposition screen in an ostensibly healthy population. It had not been previously curated by ICSL or reported in the Human Gene Mutation Database (HGMD: prior to June 1st, 2018), and was therefore a candidate for classification through an automated scoring system. Utilizing variant allele frequency, disease prevalence and penetrance estimates, and inheritance mode, an automated score was calculated to assess if this variant is too frequent to cause the disease. Based on the score and internal cut-off values, a variant classified as likely benign is not then subjected to further curation. The score for this variant resulted in a classification of likely benign for this disease.

NM_178857.6(RP1L1):c.292G>A (p.Asp98Asn)

Gene: RP1L1 (RP1 like 1). Cytogenetic location: 8p23.1.
Variant type: single nucleotide variant.
Coding change: c.292G>A on transcript NM_178857.6 (MANE Select); coding-DNA position 292, G replaced by A.
Protein change: p.Asp98Asn; replaces aspartic acid 98 with asparagine.
Molecular consequence: missense variant.
Genome position (GRCh38, 1-based): chr8:10,622,910, C>T on the plus strand (G>A on the coding strand, the complement: RP1L1 is on the minus strand). VCF-style: chr8-10622910-C-T. GRCh37 (hg19) VCF-style: chr8-10480420-C-T.
Other names: short protein forms D98N.
Identifiers: ClinVar variation 911778 (VCV000911778.16), dbSNP rs372108562, ClinGen allele CA4625776.